The following is an entry in ClinVar:

NM_000369.5(TSHR):c.1600C>T (p.Arg534Cys)

Genes: TSHR-AS1 (TSHR antisense RNA 1; minus strand), TSHR (thyroid stimulating hormone receptor; plus strand). Cytogenetic location: 14q31.1.
Variant type: single nucleotide variant.
Coding change: c.1600C>T on transcript NM_000369.5 (MANE Select); coding-DNA position 1600, C replaced by T.
Protein change: p.Arg534Cys; replaces arginine 534 with cysteine.
Molecular consequence: missense variant.
Genome position (GRCh38, 1-based): chr14:81,143,658, C>T. VCF-style: chr14-81143658-C-T. GRCh37 (hg19) VCF-style: chr14-81610002-C-T.
Other names: short protein forms R534C.
Identifiers: ClinVar variation 135394 (VCV000135394.15), dbSNP rs150602845, ClinGen allele CA162631.

ClinVar aggregate classification (germline): Conflicting classifications of pathogenicity. Review status: criteria provided, conflicting classifications (1 of 4 stars). 7 submissions from 6 submitters: Uncertain significance (2); Benign (1); Likely benign (1). 3 of the submissions do not count toward it. Last evaluated 2026-01-26.

Conditions:
TSHR-related disorder. Also called: TSHR-related disorders; TSHR-related condition.
Hypothyroidism due to TSH receptor mutations. Also called: HYPOTHYROIDISM DUE TO UNRESPONSIVENESS TO THYROTROPIN; HYPOTHYROIDISM, CONGENITAL, DUE TO TSH RESISTANCE; HYPOTHYROIDISM, NONAUTOIMMUNE; THYROID-STIMULATING HORMONE, RESISTANCE TO; TSH RESISTANCE; Hypothyroidism, congenital, nongoitrous, 1. Identifiers: Orphanet 90673, MedGen C3493776, MONDO:0010142, OMIM 275200.
Familial hyperthyroidism due to mutations in TSH receptor. Also called: TOXIC THYROID HYPERPLASIA, AUTOSOMAL DOMINANT; HYPERTHYROIDISM, CONGENITAL NONAUTOIMMUNE; HYPERTHYROIDISM, NONAUTOIMMUNE, AUTOSOMAL DOMINANT. Identifiers: Orphanet 424, MedGen C1836706, MONDO:0012203, OMIM 609152.

Allele frequency attached by ClinVar (database versions not stated): gnomAD 0.00132; TOPMed 0.00142; 1000 Genomes Project 30x 0.00172; ESP Exome Variant Server 0.00177; 1000 Genomes Project 0.00200.
gnomAD v4.1: 427 of 1,614,106 alleles (0.026%); highest among the groups gnomAD compares: African/African-American, 0.43%; no homozygotes.

Submissions (7):

Labcorp Genetics (formerly Invitae), Labcorp
Classification: Likely benign. Last evaluated: 2026-01-26. Review status: criteria provided, single submitter. Criteria: Invitae Variant Classification Sherloc (09022015). Collection method: clinical testing. Allele origin: germline.

Women's Health and Genetics/Laboratory Corporation of America, LabCorp
Classification: Uncertain significance. Last evaluated: 2023-07-24. Review status: criteria provided, single submitter. Criteria: LabCorp Variant Classification Summary - May 2015. Collection method: clinical testing. Allele origin: germline.
Comment: Variant summary: TSHR c.1600C>T (p.Arg534Cys) results in a non-conservative amino acid change in the encoded protein sequence. Four of five in-silico tools predict a damaging effect of the variant on protein function. The variant allele was found at a frequency of 0.00046 in 282770 control chromosomes (gnomAD), predominantly at a frequency of 0.0042 within the African or African-American subpopulation in the gnomAD database. To our knowledge, no occurrence of c.1600C>T in individuals affected with Hypothyroidism Due To TSH Receptor Mutations and no experimental evidence demonstrating its impact on protein function have been reported. Three ClinVar submitters have assessed the variant since 2014: one classified the variant as uncertain significance, one as likely benign, and one as benign. Based on the evidence outlined above, the variant was classified as uncertain significance.

Illumina Laboratory Services, Illumina
Classification: Benign for Familial hyperthyroidism due to mutations in TSH receptor. Last evaluated: 2018-01-13. Review status: criteria provided, single submitter. Criteria: ICSL Variant Classification Criteria 13 December 2019. Collection method: clinical testing. Allele origin: germline.
Comment: This variant was observed in the ICSL laboratory as part of a predisposition screen in an ostensibly healthy population. It had not been previously curated by ICSL or reported in the Human Gene Mutation Database (HGMD: prior to June 1st, 2018), and was therefore a candidate for classification through an automated scoring system. Utilizing variant allele frequency, disease prevalence and penetrance estimates, and inheritance mode, an automated score was calculated to assess if this variant is too frequent to cause the disease. Based on the score and internal cut-off values, a variant classified as benign is not then subjected to further curation. The score for this variant resulted in a classification of benign for this disease.

Illumina Laboratory Services, Illumina
Classification: Uncertain significance for Hypothyroidism due to TSH receptor mutations. Last evaluated: 2018-01-13. Review status: criteria provided, single submitter. Criteria: ICSL Variant Classification Criteria 13 December 2019. Collection method: clinical testing. Allele origin: germline.

PreventionGenetics, part of Exact Sciences
Classification: Likely benign for TSHR-related condition. Last evaluated: 2023-04-13. Review status: no assertion criteria provided. Collection method: clinical testing. Allele origin: germline. Not counted in ClinVar's aggregate classification.
Comment: This variant is classified as likely benign based on ACMG/AMP sequence variant interpretation guidelines (Richards et al. 2015 PMID: 25741868, with internal and published modifications).

ITMI
No classification provided. Condition: AllHighlyPenetrant. Last evaluated: 2013-09-19. Review status: no classification provided. Collection method: reference population. Allele origin: germline. Not counted in ClinVar's aggregate classification.
Comment: Please see associated publication for description of ethnicities

Department of Pathology and Laboratory Medicine, Sinai Health System
Classification: Likely benign. Review status: no assertion criteria provided. Collection method: clinical testing. Allele origin: unknown. Affected: yes. Study: The Canadian Open Genetics Repository (COGR). Not counted in ClinVar's aggregate classification.
Comment: The TSHR p.R534C variant was not identified in the literature but was identified in dbSNP (ID: rs150602845) and ClinVar (classified as likely benign by Invitae; as benign by Illumina for hyperthyroidism, nonautoimmune; and as uncertain significance by Illumina for hypothyroidism, congenital, nongoitrous, 1). The variant was identified in control databases in 131 of 282770 chromosomes at a frequency of 0.0004633 (Genome Aggregation Database March 6, 2019, v2.1.1). The p.R534 residue is conserved in mammals and computational analyses (MUT Assesor, PolyPhen-2, SIFT, MutationTaster, Revel, FATHMM, MetaLR, DANN) provide inconsistent predictions regarding the impact to the protein; this information is not very predictive of pathogenicity. The variant occurs outside of the splicing consensus sequence and in silico or computational prediction software programs (Splice AI exome) do not predict a deleterious effect on splicing. In summary, based on the above information the clinical significance of this variant cannot be determined with certainty at this time although we would lean towards a more benign role for this variant. This variant is classified as likely benign.

Literature cited by the submitters: PubMed 24728327 (cited by ITMI).